The following is an entry in ClinVar:

ClinVar aggregate classification (germline): Benign/Likely benign. Review status: criteria provided, multiple submitters, no conflicts (2 of 4 stars). 29 submissions from 22 submitters: Benign (17); Likely benign (5). 7 of the submissions do not count toward it. Last evaluated 2026-02-03.

Conditions:
Cardiovascular phenotype. Identifiers: MedGen CN230736.
Autosomal recessive limb-girdle muscular dystrophy type 2J (LGMDR10). Also called: Limb-girdle muscular dystrophy, type 2J; MUSCULAR DYSTROPHY, LIMB-GIRDLE, AUTOSOMAL RECESSIVE 10. Identifiers: Orphanet 140922, MedGen C1837342, MONDO:0012127, OMIM 608807.
Dilated cardiomyopathy 1G (CMD1G). Identifiers: Orphanet 154, MedGen C1858763, MONDO:0011400, OMIM 604145.
Early-onset myopathy with fatal cardiomyopathy (CMYO5). Also called: Salih Myopathy; CONGENITAL MYOPATHY 5 WITH CARDIOMYOPATHY. Identifiers: Orphanet 289377, MedGen C2673677, MONDO:0012714, OMIM 611705. Disease mechanism: loss of function.
Myopathy, myofibrillar, 9, with early respiratory failure (MFM9). Also called: EDSTROM MYOPATHY; MYOPATHY, PROXIMAL, WITH EARLY RESPIRATORY MUSCLE INVOLVEMENT; Hereditary myopathy with early respiratory failure; Myopathy, distal, with early respiratory failure, autosomal dominant. Identifiers: Orphanet 178464, Orphanet 34521, MedGen C1863599, MONDO:0011362, OMIM 603689.
Tibial muscular dystrophy (TMD). Also called: Udd Distal Myopathy – Tibial Muscular Dystrophy; UDD MYOPATHY; Tibial muscular dystrophy, tardive. Identifiers: Orphanet 609, MedGen C1838244, MONDO:0010870, OMIM 600334.

Allele frequency attached by ClinVar (database versions not stated): 1000 Genomes Project 30x 0.00593; ESP Exome Variant Server 0.01460; 1000 Genomes Project 0.00639; gnomAD 0.01390; TOPMed 0.01459.
gnomAD v4.1: 31,454 of 1,611,642 alleles (2%); highest among the groups gnomAD compares: Middle Eastern, 3.3%; 478 homozygotes.

Submissions 1 to 19 of 29:

Labcorp Genetics (formerly Invitae), Labcorp
Classification: Benign for Dilated cardiomyopathy 1G; Autosomal recessive limb-girdle muscular dystrophy type 2J. Last evaluated: 2026-02-03. Review status: criteria provided, single submitter. Criteria: Invitae Variant Classification Sherloc (09022015). Collection method: clinical testing. Allele origin: germline.

ARUP Laboratories, Molecular Genetics and Genomics, ARUP Laboratories
Classification: Benign. Last evaluated: 2025-05-01. Review status: criteria provided, single submitter. Criteria: ARUP Molecular Germline Variant Investigation Process 2024. Collection method: clinical testing. Allele origin: germline.

Molecular Diagnostic Laboratory for Inherited Cardiovascular Disease, Montreal Heart Institute
Classification: Benign. Last evaluated: 2025-04-09. Review status: criteria provided, single submitter. Criteria: ACMG Guidelines, 2015. Collection method: clinical testing. Allele origin: germline. Affected: no.

Blueprint Genetics
Classification: Likely benign. Last evaluated: 2024-11-26. Review status: criteria provided, single submitter. Criteria: ACMG Guidelines, 2015. Collection method: clinical testing. Allele origin: germline.

Athena Diagnostics
Classification: Benign. Last evaluated: 2023-10-19. Review status: criteria provided, single submitter. Criteria: Athena Diagnostics Criteria. Collection method: clinical testing. Allele origin: unknown.

Genome-Nilou Lab
Classification: Benign for Autosomal recessive limb-girdle muscular dystrophy type 2J. Last evaluated: 2021-09-10. Review status: criteria provided, single submitter. Criteria: ACMG Guidelines, 2015. Collection method: clinical testing. Allele origin: germline. Affected: no.

Genome-Nilou Lab
Classification: Benign for Myopathy, myofibrillar, 9, with early respiratory failure. Last evaluated: 2021-09-10. Review status: criteria provided, single submitter. Criteria: ACMG Guidelines, 2015. Collection method: clinical testing. Allele origin: germline. Affected: no.

Genome-Nilou Lab
Classification: Benign for Early-onset myopathy with fatal cardiomyopathy. Last evaluated: 2021-09-10. Review status: criteria provided, single submitter. Criteria: ACMG Guidelines, 2015. Collection method: clinical testing. Allele origin: germline. Affected: no.

Genome-Nilou Lab
Classification: Benign for Tibial muscular dystrophy. Last evaluated: 2021-09-10. Review status: criteria provided, single submitter. Criteria: ACMG Guidelines, 2015. Collection method: clinical testing. Allele origin: germline. Affected: no.

Women's Health and Genetics/Laboratory Corporation of America, LabCorp
Classification: Benign. Last evaluated: 2019-10-30. Review status: criteria provided, single submitter. Criteria: LabCorp Variant Classification Summary - May 2015. Collection method: clinical testing. Allele origin: germline.
Comment: Variant summary: TTN c.42281A>C (p.Asn14094Thr) results in a non-conservative amino acid change in the encoded protein sequence. Three of five in-silico tools predict a damaging effect of the variant on protein function. The variant allele was found at a frequency of 0.016 in 242916 control chromosomes in the gnomAD database, including 61 homozygotes. The observed variant frequency is approximately 25.6 fold of the estimated maximal expected allele frequency for a pathogenic variant in TTN causing Cardiomyopathy phenotype (0.00063), strongly suggesting that the variant is benign. Two clinical diagnostic laboratories have submitted clinical-significance assessments for this variant to ClinVar after 2014 without evidence for independent evaluation. All laboratories classified the variant as benign/likely benign. Based on the evidence outlined above, the variant was classified as benign.

Illumina Laboratory Services, Illumina
Classification: Likely benign for Autosomal recessive limb-girdle muscular dystrophy type 2J. Last evaluated: 2018-01-12. Review status: criteria provided, single submitter. Criteria: ICSL Variant Classification Criteria 13 December 2019. Collection method: clinical testing. Allele origin: germline.
Comment: This variant was observed in the ICSL laboratory as part of a predisposition screen in an ostensibly healthy population. It had not been previously curated by ICSL or reported in the Human Gene Mutation Database (HGMD: prior to June 1st, 2018), and was therefore a candidate for classification through an automated scoring system. Utilizing variant allele frequency, disease prevalence and penetrance estimates, and inheritance mode, an automated score was calculated to assess if this variant is too frequent to cause the disease. Based on the score and internal cut-off values, a variant classified as likely benign is not then subjected to further curation. The score for this variant resulted in a classification of likely benign for this disease.

Illumina Laboratory Services, Illumina
Classification: Likely benign for Dilated cardiomyopathy 1G. Last evaluated: 2018-01-12. Review status: criteria provided, single submitter. Criteria: ICSL Variant Classification Criteria 13 December 2019. Collection method: clinical testing. Allele origin: germline.
Comment: the same text as in the submission from Illumina Laboratory Services, Illumina above.

Illumina Laboratory Services, Illumina
Classification: Benign for Myopathy, myofibrillar, 9, with early respiratory failure. Last evaluated: 2018-01-12. Review status: criteria provided, single submitter. Criteria: ICSL Variant Classification Criteria 13 December 2019. Collection method: clinical testing. Allele origin: germline.
Comment: This variant was observed in the ICSL laboratory as part of a predisposition screen in an ostensibly healthy population. It had not been previously curated by ICSL or reported in the Human Gene Mutation Database (HGMD: prior to June 1st, 2018), and was therefore a candidate for classification through an automated scoring system. Utilizing variant allele frequency, disease prevalence and penetrance estimates, and inheritance mode, an automated score was calculated to assess if this variant is too frequent to cause the disease. Based on the score and internal cut-off values, a variant classified as benign is not then subjected to further curation. The score for this variant resulted in a classification of benign for this disease.

Illumina Laboratory Services, Illumina
Classification: Likely benign for Early-onset myopathy with fatal cardiomyopathy. Last evaluated: 2018-01-12. Review status: criteria provided, single submitter. Criteria: ICSL Variant Classification Criteria 13 December 2019. Collection method: clinical testing. Allele origin: germline.
Comment: the same text as in the submission from Illumina Laboratory Services, Illumina above.

Illumina Laboratory Services, Illumina
Classification: Benign for Tibial muscular dystrophy. Last evaluated: 2018-01-12. Review status: criteria provided, single submitter. Criteria: ICSL Variant Classification Criteria 13 December 2019. Collection method: clinical testing. Allele origin: germline.
Comment: the same text as in the submission from Illumina Laboratory Services, Illumina above.

Mayo Clinic Laboratories, Mayo Clinic
Classification: Benign. Last evaluated: 2017-12-19. Review status: criteria provided, single submitter. Criteria: ACMG Guidelines, 2015. Collection method: clinical testing. Allele origin: germline. Observed: 91 variant alleles.

Biesecker Lab/Clinical Genomics Section, National Institutes of Health
Classification: Benign. Last evaluated: 2013-06-24. Review status: criteria provided, single submitter. Criteria: Ng et al. (Circ Cardiovasc Genet. 2013). Collection method: research. Allele origin: unknown. Observed: 29 variant alleles. Study: ClinSeq.
Comment: The study set was not selected for affection status in relation to any cancer. Pathogenicity categories were based on literature curation. See Pubmed ID:23861362 for details.

Medical sequencing

Ambry Genetics
Classification: Benign for Cardiovascular phenotype. Last evaluated: 2013-01-23. Review status: criteria provided, single submitter. Criteria: Ambry Autosomal Dominant and X-Linked criteria (10/2015). Collection method: clinical testing. Allele origin: germline. Observed: 1 variant allele.

GeneDx
Classification: Benign. Last evaluated: 2012-12-19. Review status: criteria provided, single submitter. Criteria: GeneDx Variant Classification (06012015). Collection method: clinical testing. Allele origin: germline. Affected: yes.
Comment: This variant is considered likely benign or benign based on one or more of the following criteria: it is a conservative change, it occurs at a poorly conserved position in the protein, it is predicted to be benign by multiple in silico algorithms, and/or has population frequency not consistent with disease.

NM_001267550.2(TTN):c.49985A>C (p.Asn16662Thr)

Genes: TTN-AS1 (TTN antisense RNA 1; plus strand), TTN (titin; minus strand). Cytogenetic location: 2q31.2.
Variant type: single nucleotide variant.
Coding change: c.49985A>C on transcript NM_001267550.2 (MANE Select); coding-DNA position 49985, A replaced by C.
Protein change: p.Asn16662Thr; replaces asparagine 16662 with threonine.
Molecular consequence: missense variant.
Genome position (GRCh38, 1-based): chr2:178,612,540, T>G on the plus strand (A>C on the coding strand, the complement: TTN is on the minus strand). VCF-style: chr2-178612540-T-G. GRCh37 (hg19) VCF-style: chr2-179477267-T-G.
Other names: p.N15021T:AAT>ACT; c.45062A>C, p.Asn15021Thr (NM_001256850.1); c.42281A>C, p.Asn14094Thr (NM_133378.4); c.22790A>C, p.Asn7597Thr (NM_003319.4); c.23165A>C, p.Asn7722Thr (NM_133432.3); c.23366A>C, p.Asn7789Thr (NM_133437.4); short protein forms N16662T, N14094T, N15021T, N7722T, N7789T, N7597T.
Identifiers: ClinVar variation 47037 (VCV000047037.56), dbSNP rs36043230, ClinGen allele CA283355.